The following is an entry in ClinVar:

NM_022788.5(P2RY12):c.257A>G (p.Lys86Arg)

Genes: MED12L (mediator complex subunit 12L; plus strand), P2RY12 (purinergic receptor P2Y12; minus strand). Cytogenetic location: 3q25.1.
Variant type: single nucleotide variant.
Coding change: c.257A>G on transcript NM_022788.5 (MANE Select); coding-DNA position 257, A replaced by G.
Protein change: p.Lys86Arg; replaces lysine 86 with arginine.
Molecular consequence: missense variant. On other transcripts: intron variant (2).
Genome position (GRCh38, 1-based): chr3:151,338,589, T>C on the plus strand (A>G on the coding strand, the complement: P2RY12 is on the minus strand). VCF-style: chr3-151338589-T-C. GRCh37 (hg19) VCF-style: chr3-151056377-T-C.
Other names: c.257A>G, p.Lys86Arg (NM_176876.3); c.2251-11470T>C (NM_001393769.1); c.2146-11470T>C (NM_053002.6); short protein forms K86R.
Identifiers: ClinVar variation 2192342 (VCV002192342.5), dbSNP rs540492659, ClinGen allele CA2667890.

ClinVar aggregate classification (germline): Uncertain significance. Review status: criteria provided, multiple submitters, no conflicts (2 of 4 stars). 2 submissions from 2 submitters: Uncertain significance (2). Last evaluated 2023-11-28.

Allele frequency attached by ClinVar (database versions not stated): TOPMed below 0.00001; ExAC 0.00001; gnomAD 0.00001; gnomAD exomes 0.00001.
gnomAD v4.1: 18 of 1,614,028 alleles (0.0011%); highest among the groups gnomAD compares: African/African-American, 0.015%; no homozygotes.

Submissions (2):

Labcorp Genetics (formerly Invitae), Labcorp
Classification: Uncertain significance. Last evaluated: 2023-11-28. Review status: criteria provided, single submitter. Criteria: Invitae Variant Classification Sherloc (09022015). Collection method: clinical testing. Allele origin: germline.
Comment: This sequence change replaces lysine, which is basic and polar, with arginine, which is basic and polar, at codon 86 of the P2RY12 protein (p.Lys86Arg). This variant is present in population databases (rs540492659, gnomAD 0.01%). This variant has not been reported in the literature in individuals affected with P2RY12-related conditions. ClinVar contains an entry for this variant (Variation ID: 2192342). An algorithm developed to predict the effect of missense changes on protein structure and function (PolyPhen-2) suggests that this variant is likely to be tolerated. In summary, the available evidence is currently insufficient to determine the role of this variant in disease. Therefore, it has been classified as a Variant of Uncertain Significance.

Ambry Genetics
Classification: Uncertain significance. Last evaluated: 2022-06-09. Review status: criteria provided, single submitter. Criteria: Ambry Variant Classification Scheme 2023. Collection method: clinical testing. Allele origin: germline.